The following is an entry in ClinVar:

ClinVar aggregate classification (germline): Conflicting classifications of pathogenicity. Review status: criteria provided, conflicting classifications (1 of 4 stars). 3 submissions from 3 submitters: Uncertain significance (2); Likely benign (1). Last evaluated 2024-08-08.

Conditions:
Hereditary cancer-predisposing syndrome. Also called: Neoplastic Syndromes, Hereditary; Tumor predisposition; Hereditary Cancer Syndrome; Hereditary neoplastic syndrome. Identifiers: Orphanet 140162, MedGen C0027672, MeSH D009386, MONDO:0015356.

Submissions (3):

Quest Diagnostics Nichols Institute San Juan Capistrano
Classification: Uncertain significance. Last evaluated: 2024-08-08. Review status: criteria provided, single submitter. Criteria: Quest Diagnostics criteria. Collection method: clinical testing. Allele origin: unknown.
Comment: The BRCA2 c.6520G>A (p.Val2174Ile) variant has been reported to be located in a region of the BRCA2 gene that is tolerant to missense sequence changes (PMID: 31911673 (2020)). To the best of our knowledge, this variant has not been reported in individuals with BRCA2-related disorders. This variant has not been reported in large, multi-ethnic general populations (Genome Aggregation Database). Analysis of this variant using bioinformatics tools for the prediction of the effect of amino acid changes on protein structure and function yielded predictions that this variant is benign. Based on the available information, we are unable to determine the clinical significance of this variant.

University of Washington Department of Laboratory Medicine, University of Washington
Classification: Likely benign for Hereditary cancer-predisposing syndrome. Last evaluated: 2023-03-23. Review status: criteria provided, single submitter. Criteria: Dines et al. (Genet Med. 2020). Collection method: curation. Allele origin: germline.
Comment: Missense variant in a coldspot region where missense variants are very unlikely to be pathogenic (PMID:31911673).

BRCA2 exon 11 coldspot. Reclassification based on statistical prior probability.

Ambry Genetics
Classification: Uncertain significance for Hereditary cancer-predisposing syndrome. Last evaluated: 2021-10-18. Review status: criteria provided, single submitter. Criteria: Ambry Variant Classification Scheme 2023. Collection method: clinical testing. Allele origin: germline.
Comment: The p.V2174I variant (also known as c.6520G>A), located in coding exon 10 of the BRCA2 gene, results from a G to A substitution at nucleotide position 6520. The valine at codon 2174 is replaced by isoleucine, an amino acid with highly similar properties. This amino acid position is not well conserved in available vertebrate species. In addition, this alteration is predicted to be tolerated by in silico analysis. Since supporting evidence is limited at this time, the clinical significance of this alteration remains unclear.

Literature cited by the submitters: PubMed 31911673 (cited by Quest Diagnostics Nichols Institute San Juan Capistrano).

NM_000059.4(BRCA2):c.6520G>A (p.Val2174Ile)

Gene: BRCA2 (BRCA2 DNA repair associated; plus strand). Cytogenetic location: 13q13.1.
Variant type: single nucleotide variant.
Coding change: c.6520G>A on transcript NM_000059.4 (MANE Select); coding-DNA position 6520, G replaced by A.
Protein change: p.Val2174Ile; replaces valine 2174 with isoleucine.
Molecular consequence: missense variant.
Genome position (GRCh38, 1-based): chr13:32,340,875, G>A. VCF-style: chr13-32340875-G-A. GRCh37 (hg19) VCF-style: chr13-32915012-G-A.
Other names: c.6520G>A, p.Val2174Ile (NM_001406719.1, NM_001406720.1); short protein forms V2174I.
Identifiers: ClinVar variation 1754030 (VCV001754030.5), dbSNP rs1593908972, ClinGen allele CA387789616.